The following is an entry in ClinVar:

NM_139215.3(TAF15):c.365A>G (p.Tyr122Cys)

Gene: TAF15 (TATA-box binding protein associated factor 15; plus strand). Cytogenetic location: 17q12.
Variant type: single nucleotide variant.
Coding change: c.365A>G on transcript NM_139215.3 (MANE Select); coding-DNA position 365, A replaced by G.
Protein change: p.Tyr122Cys; replaces tyrosine 122 with cysteine.
Molecular consequence: missense variant.
Genome position (GRCh38, 1-based): chr17:35,822,714, A>G. VCF-style: chr17-35822714-A-G. GRCh37 (hg19) VCF-style: chr17-34149718-A-G.
Other names: c.356A>G, p.Tyr119Cys (NM_003487.4); short protein forms Y119C, Y122C.
Identifiers: ClinVar variation 730618 (VCV000730618.5), dbSNP rs140601071, ClinGen allele CA290023526.
Genomic context (GRCh38, chr17:35,822,714, plus strand): 5'-CACCTTCCTATGACCAGCCAGACTATGGTCAACAAGATTCATATGACCAGCAGTCAGGCT[A>G]TGATCAACATCAAGGCTCATATGATGAGCAGTCAAATTATGATCAGCAGCATGATTCCTA-3'
Protein context (NP_631961.1, residues 112-132): QQDSYDQQSG[Tyr122Cys]DQHQGSYDEQ

ClinVar aggregate classification (germline): Likely benign. Review status: criteria provided, single submitter (1 of 4 stars). 2 submissions from 2 submitters: Likely benign (1). 1 of the submissions does not count toward it. Last evaluated 2018-12-13.

Conditions:
TAF15-related disorder. Also called: TAF15-related condition.

Allele frequency attached by ClinVar (database versions not stated): gnomAD exomes 0.00025 and 0.00051; ExAC 0.00065; 1000 Genomes Project 30x 0.00156; 1000 Genomes Project 0.00160; gnomAD 0.00181 and 0.00193; TOPMed 0.00210; ESP Exome Variant Server 0.00246.
gnomAD v4.1: 643 of 1,614,214 alleles (0.04%); highest among the groups gnomAD compares: African/African-American, 0.59%; 3 homozygotes.

Submissions (2):

Labcorp Genetics (formerly Invitae), Labcorp
Classification: Likely benign. Last evaluated: 2018-12-13. Review status: criteria provided, single submitter. Criteria: Invitae Variant Classification Sherloc (09022015). Collection method: clinical testing. Allele origin: germline.

PreventionGenetics, part of Exact Sciences
Classification: Likely benign for TAF15-related condition. Last evaluated: 2019-11-14. Review status: no assertion criteria provided. Collection method: clinical testing. Allele origin: germline. Not counted in ClinVar's aggregate classification.
Comment: This variant is classified as likely benign based on ACMG/AMP sequence variant interpretation guidelines (Richards et al. 2015 PMID: 25741868, with internal and published modifications).